The following is an entry in ClinVar:

NM_015627.3(LDLRAP1):c.440T>C (p.Leu147Pro)

Gene: LDLRAP1 (low density lipoprotein receptor adaptor protein 1; plus strand). Cytogenetic location: 1p36.11.
Variant type: single nucleotide variant.
Coding change: c.440T>C on transcript NM_015627.3 (MANE Select); coding-DNA position 440, T replaced by C.
Protein change: p.Leu147Pro; replaces leucine 147 with proline.
Molecular consequence: missense variant.
Genome position (GRCh38, 1-based): chr1:25,557,248, T>C. VCF-style: chr1-25557248-T-C. GRCh37 (hg19) VCF-style: chr1-25883739-T-C.
Other names: short protein forms L147P.
Identifiers: ClinVar variation 5037832 (VCV005037832.1).

ClinVar aggregate classification (germline): Uncertain significance (1 of 4 stars; one submission).

Conditions:
Cardiovascular phenotype. Identifiers: MedGen CN230736.

Submission:

Molecular Diagnostic Laboratory for Inherited Cardiovascular Disease, Montreal Heart Institute
Classification: Uncertain significance for Cardiovascular phenotype. Last evaluated: 2026-09-21. Review status: criteria provided, single submitter. Criteria: ACMG Guidelines, 2015. Collection method: clinical testing. Allele origin: germline. Affected: yes.
Comment: PM2, BP1